The following is an entry in ClinVar:

NM_001735.3(C5):c.1577T>C (p.Ile526Thr)

Gene: C5 (complement C5; minus strand). Cytogenetic location: 9q33.2.
Variant type: single nucleotide variant.
Coding change: c.1577T>C on transcript NM_001735.3 (MANE Select); coding-DNA position 1577, T replaced by C.
Protein change: p.Ile526Thr; replaces isoleucine 526 with threonine.
Molecular consequence: missense variant.
Genome position (GRCh38, 1-based): chr9:121,017,782, A>G on the plus strand (T>C on the coding strand, the complement: C5 is on the minus strand). VCF-style: chr9-121017782-A-G. GRCh37 (hg19) VCF-style: chr9-123780060-A-G.
Other names: c.1595T>C, p.Ile532Thr (NM_001317163.2); c.1577T>C, p.Ile526Thr (NM_001317164.2); short protein forms I526T, I532T.
Identifiers: ClinVar variation 1496538 (VCV001496538.6), dbSNP rs2131762403, ClinGen allele CA374749413.

ClinVar aggregate classification (germline): Uncertain significance (1 of 4 stars; one submission).

Submission:

Labcorp Genetics (formerly Invitae), Labcorp
Classification: Uncertain significance. Last evaluated: 2024-10-15. Review status: criteria provided, single submitter. Criteria: Invitae Variant Classification Sherloc (09022015). Collection method: clinical testing. Allele origin: germline.
Comment: This sequence change replaces isoleucine, which is neutral and non-polar, with threonine, which is neutral and polar, at codon 526 of the C5 protein (p.Ile526Thr). This variant is not present in population databases (gnomAD no frequency). This variant has not been reported in the literature in individuals affected with C5-related conditions. ClinVar contains an entry for this variant (Variation ID: 1496538). Invitae Evidence Modeling of protein sequence and biophysical properties (such as structural, functional, and spatial information, amino acid conservation, physicochemical variation, residue mobility, and thermodynamic stability) indicates that this missense variant is not expected to disrupt C5 protein function with a negative predictive value of 80%. In summary, the available evidence is currently insufficient to determine the role of this variant in disease. Therefore, it has been classified as a Variant of Uncertain Significance.